The following is an entry in ClinVar:

ClinVar aggregate classification (germline): Uncertain significance. Review status: criteria provided, multiple submitters, no conflicts (2 of 4 stars). 2 submissions from 2 submitters: Uncertain significance (2). Last evaluated 2026-04-21.

Conditions:
Inborn genetic diseases. Identifiers: MedGen C0950123, MeSH D030342.
Neurodevelopmental disorder with dysmorphic facies and thin corpus callosum. Identifiers: MedGen C5551361, MONDO:0859179, OMIM 619480.

gnomAD v4.1: 88 of 1,613,792 alleles (0.0055%); highest among the groups gnomAD compares: Non-Finnish European, 0.0073%; no homozygotes.

Submissions (2):

Clinical Genomics Laboratory, Washington University in St. Louis
Classification: Uncertain significance for Neurodevelopmental disorder with dysmorphic facies and thin corpus callosum. Last evaluated: 2026-04-21. Review status: criteria provided, single submitter. Criteria: ACMG Guidelines, 2015. Collection method: clinical testing. Allele origin: germline.
Comment: The SUPT16H c.59A>G (p.Asn20Ser) variant, to our knowledge, has not been reported in the medical literature but has been reported in the ClinVar database as a germline variant of uncertain significance by one submitter. This variant is only observed on 12/282,880 alleles in the general population (gnomAD v2.1.1), indicating it is not a common variant. Computational predictors suggest that the variant does not impact SUPT16H function, but this region is somewhat constrained for missense variation (Lee E et al., PMID: 41556401). Due to limited information, and based on ACMG/AMP guidelines for variant interpretation (Richards S et al., PMID: 25741868), the clinical significance of this variant is uncertain at this time.

Ambry Genetics
Classification: Uncertain significance for Inborn genetic diseases. Last evaluated: 2025-11-11. Review status: criteria provided, single submitter. Criteria: Ambry Variant Classification Scheme 2023. Collection method: clinical testing. Allele origin: germline.

NM_007192.4(SUPT16H):c.59A>G (p.Asn20Ser)

Gene: SUPT16H (SPT16 homolog, facilitates chromatin remodeling subunit; minus strand). Cytogenetic location: 14q11.2.
Variant type: single nucleotide variant.
Coding change: c.59A>G on transcript NM_007192.4 (MANE Select); coding-DNA position 59, A replaced by G.
Protein change: p.Asn20Ser; replaces asparagine 20 with serine.
Molecular consequence: missense variant.
Genome position (GRCh38, 1-based): chr14:21,383,869, T>C on the plus strand (A>G on the coding strand, the complement: SUPT16H is on the minus strand). VCF-style: chr14-21383869-T-C. GRCh37 (hg19) VCF-style: chr14-21852028-T-C.
Other names: short protein forms N20S.
Identifiers: ClinVar variation 4632487 (VCV004632487.2).
Genomic context (GRCh38, chr14:21,383,869, plus strand): 5'-ATTATGGGATGGCTAAGGGGGCTCCCTAGGAAAAATTACAGGATCTTCCTCACCCGCCAA[T>C]TGCTGTACAGTCTCTTCACTCGCCGATAATAAGCGTCTTTGTCCAGAGTCACAGCCATAG-3'
Protein context (NP_009123.1, residues 10-30): YYRRVKRLYS[Asn20Ser]WRKGEDEYAN